The following is an entry in ClinVar:

NM_206933.4(USH2A):c.4885+5G>A

Gene: USH2A (usherin; minus strand). Cytogenetic location: 1q41.
Variant type: single nucleotide variant.
Coding change: c.4885+5G>A on transcript NM_206933.4 (MANE Select); 5 bases into the intron after coding-DNA position 4885, G replaced by A.
Molecular consequence: intron variant.
Genome position (GRCh38, 1-based): chr1:216,089,008, C>T on the plus strand (G>A on the coding strand, the complement: USH2A is on the minus strand). VCF-style: chr1-216089008-C-T. GRCh37 (hg19) VCF-style: chr1-216262350-C-T.
Identifiers: ClinVar variation 1470126 (VCV001470126.3), dbSNP rs988696340, ClinGen allele CA1012210496.

ClinVar aggregate classification (germline): Uncertain significance (1 of 4 stars; one submission).

Allele frequency attached by ClinVar (database versions not stated): gnomAD 0.00001.
gnomAD v4.1: 3 of 1,613,106 alleles (0.00019%); highest among the groups gnomAD compares: Admixed American, 0.0017%; no homozygotes.

Submission:

Labcorp Genetics (formerly Invitae), Labcorp
Classification: Uncertain significance. Last evaluated: 2022-07-15. Review status: criteria provided, single submitter. Criteria: Invitae Variant Classification Sherloc (09022015). Collection method: clinical testing. Allele origin: germline.
Comment: This sequence change falls in intron 23 of the USH2A gene. It does not directly change the encoded amino acid sequence of the USH2A protein. It affects a nucleotide within the consensus splice site. This variant is not present in population databases (gnomAD no frequency). This variant has not been reported in the literature in individuals affected with USH2A-related conditions. ClinVar contains an entry for this variant (Variation ID: 1470126). Variants that disrupt the consensus splice site are a relatively common cause of aberrant splicing (PMID: 17576681, 9536098). Algorithms developed to predict the effect of sequence changes on RNA splicing suggest that this variant is not likely to affect RNA splicing. In summary, the available evidence is currently insufficient to determine the role of this variant in disease. Therefore, it has been classified as a Variant of Uncertain Significance.

Literature cited by the submitters: PubMed 17576681; PubMed 9536098.